The following is an entry in ClinVar:

NM_001036.6(RYR3):c.9355G>A (p.Glu3119Lys)

Gene: RYR3 (ryanodine receptor 3; plus strand). Cytogenetic location: 15q14.
Variant type: single nucleotide variant.
Coding change: c.9355G>A on transcript NM_001036.6 (MANE Select); coding-DNA position 9355, G replaced by A.
Protein change: p.Glu3119Lys; replaces glutamic acid 3119 with lysine.
Molecular consequence: missense variant.
Genome position (GRCh38, 1-based): chr15:33,785,748, G>A. VCF-style: chr15-33785748-G-A. GRCh37 (hg19) VCF-style: chr15-34077949-G-A.
Other names: c.9355G>A, p.Glu3119Lys (NM_001243996.4); short protein forms E3119K.
Identifiers: ClinVar variation 531069 (VCV000531069.48), dbSNP rs200830195, ClinGen allele CA7460503.

ClinVar aggregate classification (germline): Likely benign. Review status: criteria provided, multiple submitters, no conflicts (2 of 4 stars). 4 submissions from 4 submitters: Likely benign (3). 1 of the submissions does not count toward it. Last evaluated 2026-09-01.

Conditions:
Epileptic encephalopathy. Identifiers: MedGen C0543888, HP:0200134.
RYR3-related disorder. Also called: RYR3-related condition.

Allele frequency attached by ClinVar (database versions not stated): 1000 Genomes Project 0.00060; 1000 Genomes Project 30x 0.00078; TOPMed 0.00132; ESP Exome Variant Server 0.00170; gnomAD 0.00194 and 0.00200; gnomAD exomes 0.00233 and 0.00254; ExAC 0.00251.
gnomAD v4.1: 3,998 of 1,613,908 alleles (0.25%); highest among the groups gnomAD compares: South Asian, 0.29%; 15 homozygotes.

Submissions (5):

CeGaT Center for Human Genetics Tuebingen
Classification: Likely benign. Last evaluated: 2026-09-01. Review status: criteria provided, single submitter. Criteria: CeGaT Center For Human Genetics Tuebingen Variant Classification Criteria Version 2. Collection method: clinical testing. Allele origin: germline. Affected: yes. Observed: 7 variant alleles.
Comment: RYR3: BS2

Labcorp Genetics (formerly Invitae), Labcorp
Classification: Likely benign for Epileptic encephalopathy. Last evaluated: 2025-12-27. Review status: criteria provided, single submitter. Criteria: Invitae Variant Classification Sherloc (09022015). Collection method: clinical testing. Allele origin: germline.

Blueprint Genetics
Classification: Likely benign. Last evaluated: 2024-11-25. Review status: criteria provided, single submitter. Criteria: ACMG Guidelines, 2015. Collection method: clinical testing. Allele origin: germline.

PreventionGenetics, part of Exact Sciences
Classification: Likely benign for RYR3-related condition. Last evaluated: 2020-07-13. Review status: no assertion criteria provided. Collection method: clinical testing. Allele origin: germline. Not counted in ClinVar's aggregate classification.
Comment: This variant is classified as likely benign based on ACMG/AMP sequence variant interpretation guidelines (Richards et al. 2015 PMID: 25741868, with internal and published modifications).

Dr. Peter K. Rogan Lab, Western University
No classification provided (evidence only). Condition: Gastric cancer. Review status: no classification provided. Collection method: in vitro. Allele origin: not applicable. Functional consequence: retained intron. Not counted in ClinVar's aggregate classification.